The following is an entry in ClinVar:

ClinVar aggregate classification (germline): Uncertain significance (1 of 4 stars; one submission).

Conditions:
Neuronal ceroid lipofuscinosis. Also called: Neuronal Ceroid Lipofuscinoses. Identifiers: Orphanet 216, Orphanet 79263, MedGen C0027877, MONDO:0016295. Disease mechanism: loss of function.

Allele frequency attached by ClinVar (database versions not stated): gnomAD exomes below 0.00001; gnomAD 0.00001; TOPMed 0.00001.
gnomAD v4.1: 7 of 1,613,888 alleles (0.00043%); highest among the groups gnomAD compares: African/African-American, 0.0053%; no homozygotes.

Submission:

Labcorp Genetics (formerly Invitae), Labcorp
Classification: Uncertain significance for Neuronal ceroid lipofuscinosis. Last evaluated: 2022-04-10. Review status: criteria provided, single submitter. Criteria: Invitae Variant Classification Sherloc (09022015). Collection method: clinical testing. Allele origin: germline.
Comment: This sequence change replaces leucine, which is neutral and non-polar, with phenylalanine, which is neutral and non-polar, at codon 45 of the CLN6 protein (p.Leu45Phe). This variant is not present in population databases (gnomAD no frequency). This variant has not been reported in the literature in individuals affected with CLN6-related conditions. ClinVar contains an entry for this variant (Variation ID: 1046869). Algorithms developed to predict the effect of missense changes on protein structure and function output the following: SIFT: "Tolerated"; PolyPhen-2: "Benign"; Align-GVGD: "Class C0". The phenylalanine amino acid residue is found in multiple mammalian species, which suggests that this missense change does not adversely affect protein function. In summary, the available evidence is currently insufficient to determine the role of this variant in disease. Therefore, it has been classified as a Variant of Uncertain Significance.

NM_017882.3(CLN6):c.133C>T (p.Leu45Phe)

Gene: CLN6 (CLN6 transmembrane ER protein; minus strand). Cytogenetic location: 15q23.
Variant type: single nucleotide variant.
Coding change: c.133C>T on transcript NM_017882.3 (MANE Select); coding-DNA position 133, C replaced by T.
Protein change: p.Leu45Phe; replaces leucine 45 with phenylalanine.
Molecular consequence: missense variant.
Genome position (GRCh38, 1-based): chr15:68,218,601, G>A on the plus strand (C>T on the coding strand, the complement: CLN6 is on the minus strand). VCF-style: chr15-68218601-G-A. GRCh37 (hg19) VCF-style: chr15-68510939-G-A.
Other names: short protein forms L45F.
Identifiers: ClinVar variation 1046869 (VCV001046869.6), dbSNP rs964241858, ClinGen allele CA272390305.
Genomic context (GRCh38, chr15:68,218,601, plus strand): 5'-CAATGGGACGCCCAAAGTCCAGAACCCAGTTCTGCAGTGTGAAGTAGAACCAGAGGTCGA[G>A]GTGGAAGGGAGCCGTGCGGGCAGCCTCATCAGCGCTCACAGAGCCATGCCTGGGAAGGAA-3'
Protein context (NP_060352.1, residues 35-55): DEAARTAPFH[Leu45Phe]DLWFYFTLQN